The following is an entry in ClinVar:

NM_004727.3(SLC24A1):c.553A>G (p.Lys185Glu)

Gene: SLC24A1 (solute carrier family 24 member 1; plus strand). Cytogenetic location: 15q22.31.
Variant type: single nucleotide variant.
Coding change: c.553A>G on transcript NM_004727.3 (MANE Select); coding-DNA position 553, A replaced by G.
Protein change: p.Lys185Glu; replaces lysine 185 with glutamic acid.
Molecular consequence: missense variant.
Genome position (GRCh38, 1-based): chr15:65,624,633, A>G. VCF-style: chr15-65624633-A-G. GRCh37 (hg19) VCF-style: chr15-65916971-A-G.
Other names: c.553A>G (NM_004727.2); c.553A>G, p.Lys185Glu (NM_001301031.1, NM_001301032.1, NM_001301033.2 and 1 more transcripts); short protein forms K185E.
Identifiers: ClinVar variation 2012466 (VCV002012466.5), dbSNP rs1278008021, ClinGen allele CA392914177.

ClinVar aggregate classification (germline): Uncertain significance. Review status: criteria provided, multiple submitters, no conflicts (2 of 4 stars). 2 submissions from 2 submitters: Uncertain significance (2). Last evaluated 2025-10-28.

Conditions:
Inborn genetic diseases. Identifiers: MedGen C0950123, MeSH D030342.

Allele frequency attached by ClinVar (database versions not stated): gnomAD exomes below 0.00001.
gnomAD v4.1: 2 of 1,593,786 alleles (0.00013%); highest among the groups gnomAD compares: East Asian, 0.0023%; no homozygotes.

Submissions (2):

Ambry Genetics
Classification: Uncertain significance for Inborn genetic diseases. Last evaluated: 2025-10-28. Review status: criteria provided, single submitter. Criteria: Ambry Variant Classification Scheme 2023. Collection method: clinical testing. Allele origin: germline.

Labcorp Genetics (formerly Invitae), Labcorp
Classification: Uncertain significance. Last evaluated: 2024-10-22. Review status: criteria provided, single submitter. Criteria: Invitae Variant Classification Sherloc (09022015). Collection method: clinical testing. Allele origin: germline.
Comment: This sequence change replaces lysine, which is basic and polar, with glutamic acid, which is acidic and polar, at codon 185 of the SLC24A1 protein (p.Lys185Glu). This variant is present in population databases (no rsID available, gnomAD 0.007%). This variant has not been reported in the literature in individuals affected with SLC24A1-related conditions. ClinVar contains an entry for this variant (Variation ID: 2012466). An algorithm developed to predict the effect of missense changes on protein structure and function outputs the following: PolyPhen-2: "Benign". The glutamic acid amino acid residue is found in multiple mammalian species, which suggests that this missense change does not adversely affect protein function. In summary, the available evidence is currently insufficient to determine the role of this variant in disease. Therefore, it has been classified as a Variant of Uncertain Significance.